The following is an entry in ClinVar:

ClinVar aggregate classification (germline): Benign/Likely benign. Review status: criteria provided, multiple submitters, no conflicts (2 of 4 stars). 19 submissions from 18 submitters: Benign (10); Likely benign (5). 4 of the submissions do not count toward it. Last evaluated 2026-08-01.

Conditions:
Cardiovascular phenotype. Identifiers: MedGen CN230736.
Jervell and Lange-Nielsen syndrome 2 (JLNS2). Identifiers: Orphanet 768, Orphanet 90647, MedGen C2676723, MONDO:0012871, OMIM 612347.
Long QT syndrome 5 (LQT5). Identifiers: Orphanet 101016, Orphanet 768, MedGen C1867904, MONDO:0013372, OMIM 613695.
Long QT syndrome (LQTS). Identifiers: MedGen C0023976, MeSH D008133, MONDO:0002442. Disease mechanism: loss of function. Inheritance: Various modes of inheritance.

Allele frequency attached by ClinVar (database versions not stated): ExAC 0.00362; 1000 Genomes Project 0.00379; ESP Exome Variant Server 0.00415; gnomAD 0.00647 and 0.00676; gnomAD exomes 0.01207.
gnomAD v4.1: 11,131 of 967,632 alleles (1.2%); highest among the groups gnomAD compares: Non-Finnish European, 1.4%; 3,870 homozygotes.

Submissions (20):

CeGaT Center for Human Genetics Tuebingen
Classification: Likely benign. Last evaluated: 2026-08-01. Review status: criteria provided, single submitter. Criteria: CeGaT Center For Human Genetics Tuebingen Variant Classification Criteria Version 2. Collection method: clinical testing. Allele origin: germline. Affected: yes. Observed: 5 variant alleles.
Comment: KCNE1: BP4, BP7, BS2

Labcorp Genetics (formerly Invitae), Labcorp
Classification: Benign for Long QT syndrome. Last evaluated: 2026-02-03. Review status: criteria provided, single submitter. Criteria: Invitae Variant Classification Sherloc (09022015). Collection method: clinical testing. Allele origin: germline.

Molecular Diagnostic Laboratory for Inherited Cardiovascular Disease, Montreal Heart Institute
Classification: Benign. Last evaluated: 2025-04-09. Review status: criteria provided, single submitter. Criteria: ACMG Guidelines, 2015. Collection method: clinical testing. Allele origin: germline. Affected: no.

ARUP Laboratories, Molecular Genetics and Genomics, ARUP Laboratories
Classification: Benign. Last evaluated: 2025-03-11. Review status: criteria provided, single submitter. Criteria: ARUP Molecular Germline Variant Investigation Process 2024. Collection method: clinical testing. Allele origin: germline.

Mayo Clinic Laboratories, Mayo Clinic
Classification: Benign. Last evaluated: 2025-01-30. Review status: criteria provided, single submitter. Criteria: ACMG Guidelines, 2015. Collection method: clinical testing. Allele origin: germline. Observed: 11 variant alleles.
Comment: BS1, BS2, BP4, BP7

Blueprint Genetics
Classification: Likely benign. Last evaluated: 2024-11-28. Review status: criteria provided, single submitter. Criteria: ACMG Guidelines, 2015. Collection method: clinical testing. Allele origin: germline.

Fulgent Genetics
Classification: Benign for Jervell and Lange-Nielsen syndrome 2; Long QT syndrome 5. Last evaluated: 2022-02-17. Review status: criteria provided, single submitter. Criteria: ACMG Guidelines, 2015. Collection method: clinical testing. Allele origin: unknown.

Illumina Laboratory Services, Illumina
Classification: Likely benign for Long QT syndrome 5. Last evaluated: 2017-04-27. Review status: criteria provided, single submitter. Criteria: ICSL Variant Classification Criteria 13 December 2019. Collection method: clinical testing. Allele origin: germline.
Comment: This variant was observed as part of a predisposition screen in an ostensibly healthy population. A literature search was performed for the gene, cDNA change, and amino acid change (where applicable). No publications were found based on this search. Allele frequency data from public databases allowed determination this variant is unlikely to cause disease. Therefore, this variant is classified as likely benign.

Illumina Laboratory Services, Illumina
Classification: Likely benign for Jervell and Lange-Nielsen syndrome 2. Last evaluated: 2017-04-27. Review status: criteria provided, single submitter. Criteria: ICSL Variant Classification Criteria 13 December 2019. Collection method: clinical testing. Allele origin: germline.
Comment: the same text as in the submission from Illumina Laboratory Services, Illumina above.

Women's Health and Genetics/Laboratory Corporation of America, LabCorp
Classification: Benign. Last evaluated: 2016-08-09. Review status: criteria provided, single submitter. Criteria: LabCorp Variant Classification Summary - May 2015. Collection method: clinical testing. Allele origin: germline.
Comment: Variant summary: The KCNE1 c.84G>A (p.Ser28Ser) variant involves the alteration of a non-conserved nucleotide, resulting in a synonymous change. One in silico tool predicts a benign outcome for this variant. This variant was found in 438/120954 control chromosomes at a frequency of 0.0036212, which is approximately 362 times the estimated maximal expected allele frequency of a pathogenic KCNE1 variant (0.00001), suggesting this variant is likely a benign polymorphism. In addition, multiple clinical diagnostic laboratories/reputable databases classified this variant as benign and multiple publications have classified the variant as "normal/polymorphism". Taken together, this variant is classified as benign.

Ambry Genetics
Classification: Benign for Cardiovascular phenotype. Last evaluated: 2016-04-11. Review status: criteria provided, single submitter. Criteria: Ambry Variant Classification Scheme 2023. Collection method: clinical testing. Allele origin: germline.

Eurofins Ntd Llc (ga)
Classification: Benign. Last evaluated: 2015-07-17. Review status: criteria provided, single submitter. Criteria: EGL Classification Definitions 2015. Collection method: clinical testing. Allele origin: germline. Observed: 1 variant allele, 1 heterozygote.

GeneDx
Classification: Benign. Last evaluated: 2015-03-03. Review status: criteria provided, single submitter. Criteria: GeneDx Variant Classification Process June 2021. Collection method: clinical testing. Allele origin: germline. Affected: yes.

Laboratory for Molecular Medicine, Mass General Brigham Personalized Medicine
Classification: Benign. Last evaluated: 2012-05-07. Review status: criteria provided, single submitter. Criteria: LMM Criteria. Collection method: clinical testing. Allele origin: germline. Observed: 15 variant alleles.
Comment: "Ser28Ser in Exon 03 of KCNE1: This variant is not expected to have clinical sig nificance because it does not alter an amino acid residue, is not located within the splice consensus sequence, and has been identified in 0.6% (40/7020) of Eur opean American chromosomes from a broad population by the NHLBI Exome Sequencing Project (dbSNP rs17173510)."

Breakthrough Genomics
Classification: Likely benign. Review status: criteria provided, single submitter. Criteria: ACMG Guidelines, 2015. Collection method: not provided. Allele origin: germline. Inheritance: Autosomal recessive inheritance. Affected: yes.

Clinical Genetics DNA and cytogenetics Diagnostics Lab, Erasmus MC, Erasmus Medical Center
Classification: Likely benign. Review status: no assertion criteria provided. Collection method: clinical testing. Allele origin: germline. Affected: yes. Study: VKGL Data-share Consensus. Not counted in ClinVar's aggregate classification.

Clinical Genetics, Academic Medical Center
Classification: Benign. Review status: no assertion criteria provided. Collection method: clinical testing. Allele origin: germline. Affected: yes. Study: VKGL Data-share Consensus. Not counted in ClinVar's aggregate classification.

Genome Diagnostics Laboratory, University Medical Center Utrecht
Classification: Likely benign. Review status: no assertion criteria provided. Collection method: clinical testing. Allele origin: germline. Affected: yes. Study: VKGL Data-share Consensus. Not counted in ClinVar's aggregate classification.

Joint Genome Diagnostic Labs from Nijmegen and Maastricht, Radboudumc and MUMC+
Classification: Benign. Review status: no assertion criteria provided. Collection method: clinical testing. Allele origin: germline. Affected: yes. Study: VKGL Data-share Consensus. Not counted in ClinVar's aggregate classification.

Roden Lab, Vanderbilt University Medical Center
No classification provided (evidence only). Condition: Long QT syndrome 5. Review status: no classification provided. Collection method: in vitro. Allele origin: not applicable. Functional consequence: Effect on ion channel function. Not counted in ClinVar's aggregate classification.
ClinVar note: "not provided" was previously submitted as the classification for the variant. However, the classification appeared to be based only on an observation of functional data so it was converted to no classification on 2025-07-30.

Literature cited by the submitters: PubMed 16887036 (cited by Women's Health and Genetics/Laboratory Corporation of America, LabCorp); PubMed 18752142 (cited by Women's Health and Genetics/Laboratory Corporation of America, LabCorp).

NM_000219.6(KCNE1):c.84G>A (p.Ser28=)

Gene: KCNE1 (potassium voltage-gated channel subfamily E regulatory subunit 1; minus strand). Cytogenetic location: 21q22.12.
Variant type: single nucleotide variant.
Coding change: c.84G>A on transcript NM_000219.6 (MANE Select); coding-DNA position 84, G replaced by A.
Protein change: p.Ser28=; no amino-acid change (serine 28 retained).
Molecular consequence: synonymous variant.
Genome position (GRCh38, 1-based): chr21:34,449,551, C>T on the plus strand (G>A on the coding strand, the complement: KCNE1 is on the minus strand). VCF-style: chr21-34449551-C-T. GRCh37 (hg19) VCF-style: chr21-35821849-C-T.
Other names: p.Ser28=; c.84G>A, p.Ser28= (NM_001127668.4, NM_001127669.4, NM_001127670.4 and 4 more transcripts); c.84G>A (NM_001127670.3).
Identifiers: ClinVar variation 178611 (VCV000178611.81), dbSNP rs17173510, ClinGen allele CA182655.